The following is an entry in ClinVar:

NM_000238.4(KCNH2):c.2620A>C (p.Ser874Arg)

Gene: KCNH2 (potassium voltage-gated channel subfamily H member 2; minus strand). Cytogenetic location: 7q36.1.
Variant type: single nucleotide variant.
Coding change: c.2620A>C on transcript NM_000238.4 (MANE Select); coding-DNA position 2620, A replaced by C.
Protein change: p.Ser874Arg; replaces serine 874 with arginine.
Molecular consequence: missense variant. On other transcripts: non-coding transcript variant (2).
Genome position (GRCh38, 1-based): chr7:150,948,516, T>G on the plus strand (A>C on the coding strand, the complement: KCNH2 is on the minus strand). VCF-style: chr7-150948516-T-G. GRCh37 (hg19) VCF-style: chr7-150645604-T-G.
Other names: c.2332A>C, p.Ser778Arg (NM_001406753.1); c.1600A>C, p.Ser534Arg (NM_172057.3); short protein forms S534R, S778R, S874R.
Identifiers: ClinVar variation 2498009 (VCV002498009.1), dbSNP rs2486012799, ClinGen allele CA369853861.

ClinVar aggregate classification (germline): Uncertain significance (1 of 4 stars; one submission).

Submission:

GeneDx
Classification: Uncertain significance. Last evaluated: 2022-10-04. Review status: criteria provided, single submitter. Criteria: GeneDx Variant Classification Process June 2021. Collection method: clinical testing. Allele origin: germline. Affected: yes.
Comment: Not observed at significant frequency in large population cohorts (gnomAD); In silico analysis supports that this missense variant has a deleterious effect on protein structure/function; Has not been previously published as pathogenic or benign to our knowledge